The following is an entry in ClinVar:

NM_145166.4(ZBTB47):c.2124_2126delinsGGA (p.His708_Ala709delinsGlnGlu)

Gene: ZBTB47 (zinc finger and BTB domain containing 47; plus strand). Cytogenetic location: 3p22.1.
Variant type: Indel.
Coding change: c.2124_2126delinsGGA on transcript NM_145166.4 (MANE Select); coding-DNA positions 2124 to 2126, CGC replaced by GGA.
Protein change: p.His708_Ala709delinsGlnGlu.
Molecular consequence: missense variant.
Genome position (GRCh38, 1-based): chr3:42,664,478-42,664,480, CGC replaced by GGA. VCF-style: chr3-42664478-CGC-GGA. GRCh37 (hg19) VCF-style: chr3-42705970-CGC-GGA.
Other names: c.2208_2210delinsGGA, p.His736_Ala737delinsGlnGlu (NM_001410746.1).
Identifiers: ClinVar variation 4529929 (VCV004529929.2).
Genomic context (GRCh38, chr3:42,664,478, plus strand): 5'-CCTGGCCGGCGACGGCGTCCCCGCTGCCCCAGGCCTGCCCCCAACCCAGCCCCAGGCGCA[CGC>GGA]ACTGCCCCTGCTCCCGGGGCTGCCCCAGACCCTGCCGCCCCCGCCCCACCTGCCGCCCCC-3'

ClinVar aggregate classification (germline): Uncertain significance (1 of 4 stars; one submission).

Submission:

GeneDx
Classification: Uncertain significance. Last evaluated: 2026-08-07. Review status: criteria provided, single submitter. Criteria: GeneDx Variant Classification Process June 2021. Collection method: clinical testing. Allele origin: germline.
Comment: Not observed at significant frequency in large population cohorts (gnomAD); In-frame deletion of 2 amino acids and insertion of 2 different amino acids in a non-repeat region; In silico analysis suggests that this variant does not alter protein structure/function; Has not been previously published as pathogenic or benign to our knowledge